The following is an entry in ClinVar:

ClinVar aggregate classification (germline): Conflicting classifications of pathogenicity. Review status: criteria provided, conflicting classifications (1 of 4 stars). 4 submissions from 4 submitters: Uncertain significance (1); Benign (3). Last evaluated 2018-01-13.

Conditions:
Noonan syndrome and Noonan-related syndrome. Identifiers: Orphanet 98733, MedGen C5681679, MONDO:0020297.
Noonan syndrome-like disorder with loose anagen hair 1 (NSLH1). Also called: TOSTI SYNDROME; MAZZANTI SYNDROME. Identifiers: Orphanet 2701, MedGen C4478716, MONDO:0054637, OMIM 607721.

Allele frequency attached by ClinVar (database versions not stated): 1000 Genomes Project 0.00140; 1000 Genomes Project 30x 0.00156; gnomAD 0.00300 and 0.00305; TOPMed 0.00310; gnomAD exomes 0.00394.
gnomAD v4.1: 4,358 of 1,138,158 alleles (0.38%); highest among the groups gnomAD compares: Admixed American, 0.54%; 13 homozygotes.

Submissions (4):

Illumina Laboratory Services, Illumina
Classification: Benign for Noonan syndrome-like disorder with loose anagen hair 1. Last evaluated: 2018-01-13. Review status: criteria provided, single submitter. Criteria: ICSL Variant Classification Criteria 13 December 2019. Collection method: clinical testing. Allele origin: germline.
Comment: This variant was observed in the ICSL laboratory as part of a predisposition screen in an ostensibly healthy population. It had not been previously curated by ICSL or reported in the Human Gene Mutation Database (HGMD: prior to June 1st, 2018), and was therefore a candidate for classification through an automated scoring system. Utilizing variant allele frequency, disease prevalence and penetrance estimates, and inheritance mode, an automated score was calculated to assess if this variant is too frequent to cause the disease. Based on the score and internal cut-off values, a variant classified as benign is not then subjected to further curation. The score for this variant resulted in a classification of benign for this disease.

Genome Diagnostics Laboratory, The Hospital for Sick Children
Classification: Uncertain significance for Noonan syndrome and Noonan-related syndrome. Last evaluated: 2017-01-05. Review status: criteria provided, single submitter. Criteria: ACMG Guidelines, 2015. Collection method: clinical testing. Allele origin: germline.

GeneDx
Classification: Benign. Last evaluated: 2015-03-03. Review status: criteria provided, single submitter. Criteria: GeneDx Variant Classification Process June 2021. Collection method: clinical testing. Allele origin: germline. Affected: yes.

Laboratory for Molecular Medicine, Mass General Brigham Personalized Medicine
Classification: Benign. Last evaluated: 2011-06-07. Review status: criteria provided, single submitter. Criteria: LMM Criteria. Collection method: clinical testing. Allele origin: germline. Observed: 5 variant alleles.
Comment: -159T>C (no amino acid change) in SHOC2 exon 2: The -159T>C variant has not been previously reported in the literature but has been identified in our laboratory in four other probands. This variant is located in the 5'UTR and variants in re gulatory regions could have an effect on transcriptional or translational effici ency. However, only a single recurrent variant in SHOC2 has been proven to be pa thogenic to date.

NM_007373.4(SHOC2):c.-159T>C

Gene: SHOC2 (SHOC2 leucine rich repeat scaffold protein; plus strand). Cytogenetic location: 10q25.2.
Variant type: single nucleotide variant.
Coding change: c.-159T>C on transcript NM_007373.4 (MANE Select); 159 bases upstream of the start codon, T replaced by C.
Molecular consequence: 5 prime UTR variant.
Genome position (GRCh38, 1-based): chr10:110,964,200, T>C. VCF-style: chr10-110964200-T-C. GRCh37 (hg19) VCF-style: chr10-112723958-T-C.
Other names: c.-159T>C (NM_001269039.3, NM_001324336.2, NM_001324337.2).
Identifiers: ClinVar variation 40632 (VCV000040632.15), dbSNP rs72819758, ClinGen allele CA177984.